The following is an entry in ClinVar:

NM_000053.4(ATP7B):c.2905C>A (p.Arg969=)

Gene: ATP7B (ATPase copper transporting beta; minus strand). Cytogenetic location: 13q14.3.
Variant type: single nucleotide variant.
Coding change: c.2905C>A on transcript NM_000053.4 (MANE Select); coding-DNA position 2905, C replaced by A.
Protein change: p.Arg969=; no amino-acid change (arginine 969 retained).
Molecular consequence: synonymous variant.
Genome position (GRCh38, 1-based): chr13:51,946,439, G>T on the plus strand (C>A on the coding strand, the complement: ATP7B is on the minus strand). VCF-style: chr13-51946439-G-T. GRCh37 (hg19) VCF-style: chr13-52520575-G-T.
Other names: c.2284C>A, p.Arg762= (NM_001005918.3); c.2572C>A, p.Arg858= (NM_001243182.2); c.2671C>A, p.Arg891= (NM_001330578.2); c.2653C>A, p.Arg885= (NM_001330579.2).
Identifiers: ClinVar variation 1107009 (VCV001107009.10), dbSNP rs774028495, ClinGen allele CA483895012.

ClinVar aggregate classification (germline): Likely benign. Review status: criteria provided, multiple submitters, no conflicts (2 of 4 stars). 2 submissions from 2 submitters: Likely benign (2). Last evaluated 2025-05-12.

Conditions:
Wilson disease (WND). Also called: Wilson's disease. Identifiers: Orphanet 905, MedGen C0019202, MONDO:0010200, OMIM 277900. Disease mechanism: loss of function.

gnomAD v4.1: 1 of 1,614,220 alleles (0.000062%); highest among the groups gnomAD compares: Non-Finnish European, 0.000085%; no homozygotes.

Submissions (2):

Labcorp Genetics (formerly Invitae), Labcorp
Classification: Likely benign for Wilson disease. Last evaluated: 2025-05-12. Review status: criteria provided, single submitter. Criteria: Invitae Variant Classification Sherloc (09022015). Collection method: clinical testing. Allele origin: germline.

All of Us Research Program, National Institutes of Health
Classification: Likely benign for Wilson disease. Last evaluated: 2024-04-16. Review status: criteria provided, single submitter. Criteria: ACMG Guidelines, 2015. Collection method: clinical testing. Allele origin: germline. Inheritance: Autosomal recessive inheritance. Observed: 1 variant allele, 1 heterozygote.
Comment: This study involves interpretation of variants in research participants for the purpose of population health screening. Participant phenotype was not available at the time of variant classification. Additional details can be found in publication PMID: 35346344, PMCID: PMC8962531